The following is an entry in ClinVar:

NM_032043.3(BRIP1):c.2751_2755delinsCACCC (p.Ser919Pro)

Gene: BRIP1 (BRCA1 interacting DNA helicase 1; minus strand). Cytogenetic location: 17q23.2.
Variant type: Indel.
Coding change: c.2751_2755delinsCACCC on transcript NM_032043.3 (MANE Select); coding-DNA positions 2751 to 2755, TACCT replaced by CACCC.
Protein change: p.Ser919Pro; replaces serine 919 with proline.
Molecular consequence: missense variant.
Genome position (GRCh38, 1-based): chr17:61,685,986-61,685,990, AGGTA replaced by GGGTG on the plus strand (TACCT replaced by CACCC on the coding strand, the reverse complement: BRIP1 is on the minus strand). VCF-style: chr17-61685986-AGGTA-GGGTG. GRCh37 (hg19) VCF-style: chr17-59763347-AGGTA-GGGTG.
Other names: short protein forms S919P.
Identifiers: ClinVar variation 3379326 (VCV003379326.2).

ClinVar aggregate classification (germline): Conflicting classifications of pathogenicity. Review status: criteria provided, conflicting classifications (1 of 4 stars). 2 submissions from 2 submitters: Uncertain significance (1); Benign (1). Last evaluated 2024-09-05.

Conditions:
Fanconi anemia complementation group J. Also called: BRIP1-Related Fanconi Anemia. Identifiers: Orphanet 84, MedGen C1836860, MONDO:0012187, OMIM 609054.
Familial cancer of breast. Also called: hereditary breast carcinoma; BREAST CANCER, FAMILIAL; Hereditary breast cancer. Identifiers: Orphanet 227535, MedGen C0346153, MONDO:0016419, OMIM 114480. Disease mechanism: loss of function.

Submissions (2):

Myriad Genetics, Inc.
Classification: Benign for Familial cancer of breast. Last evaluated: 2024-09-05. Review status: criteria provided, single submitter. Criteria: Myriad Autosomal Dominant, Autosomal Recessive and X-Linked Classification Criteria (2023). Collection method: clinical testing. Allele origin: unknown.
Comment: This variant is considered benign. This variant has been observed at a population frequency that is significantly greater than expected given the associated disease prevalence and penetrance.

Fulgent Genetics
Classification: Uncertain significance for Familial cancer of breast; Fanconi anemia complementation group J. Last evaluated: 2024-04-11. Review status: criteria provided, single submitter. Criteria: ACMG Guidelines, 2015. Collection method: clinical testing. Allele origin: germline.